The following is an entry in ClinVar:

ClinVar aggregate classification (germline): Benign (1 of 4 stars; one submission).

Allele frequency attached by ClinVar (database versions not stated): TOPMed 0.00403; 1000 Genomes Project 30x 0.00453; 1000 Genomes Project 0.00459; ESP Exome Variant Server 0.00515; gnomAD 0.00672; ExAC 0.00771; gnomAD exomes 0.00781.
gnomAD v4.1: 12,414 of 1,613,668 alleles (0.77%); highest among the groups gnomAD compares: South Asian, 1.2%; 74 homozygotes.

Submission:

CeGaT Center for Human Genetics Tuebingen
Classification: Benign. Last evaluated: 2025-12-01. Review status: criteria provided, single submitter. Criteria: CeGaT Center For Human Genetics Tuebingen Variant Classification Criteria Version 2. Collection method: clinical testing. Allele origin: germline. Affected: yes. Observed: 3 variant alleles.
Comment: DZIP1: BP4, BS1, BS2

NM_198968.4(DZIP1):c.1812T>G (p.Cys604Trp)

Gene: DZIP1 (DAZ interacting zinc finger protein 1; minus strand). Cytogenetic location: 13q32.1.
Variant type: single nucleotide variant.
Coding change: c.1812T>G on transcript NM_198968.4 (MANE Select); coding-DNA position 1812, T replaced by G.
Protein change: p.Cys604Trp; replaces cysteine 604 with tryptophan.
Molecular consequence: missense variant.
Genome position (GRCh38, 1-based): chr13:95,590,310, A>C on the plus strand (T>G on the coding strand, the complement: DZIP1 is on the minus strand). VCF-style: chr13-95590310-A-C. GRCh37 (hg19) VCF-style: chr13-96242564-A-C.
Other names: c.1755T>G, p.Cys585Trp (NM_014934.5); short protein forms C585W, C604W.
Identifiers: ClinVar variation 3250514 (VCV003250514.18), dbSNP rs34181737.